The following is an entry in ClinVar:

ClinVar aggregate classification (germline): Uncertain significance (1 of 4 stars; one submission).

Submission:

Labcorp Genetics (formerly Invitae), Labcorp
Classification: Uncertain significance. Last evaluated: 2023-03-26. Review status: criteria provided, single submitter. Criteria: Invitae Variant Classification Sherloc (09022015). Collection method: clinical testing. Allele origin: germline.
Comment: An algorithm developed to predict the effect of missense changes on protein structure and function (PolyPhen-2) suggests that this variant is likely to be disruptive. This variant has not been reported in the literature in individuals affected with TOP2B-related conditions. This variant is not present in population databases (gnomAD no frequency). This sequence change replaces arginine, which is basic and polar, with cysteine, which is neutral and slightly polar, at codon 1049 of the TOP2B protein (p.Arg1049Cys). In summary, the available evidence is currently insufficient to determine the role of this variant in disease. Therefore, it has been classified as a Variant of Uncertain Significance.

NM_001330700.2(TOP2B):c.3160C>T (p.Arg1054Cys)

Gene: TOP2B (DNA topoisomerase II beta; minus strand). Cytogenetic location: 3p24.2.
Variant type: single nucleotide variant.
Coding change: c.3160C>T on transcript NM_001330700.2 (MANE Select); coding-DNA position 3160, C replaced by T.
Protein change: p.Arg1054Cys; replaces arginine 1054 with cysteine.
Molecular consequence: missense variant.
Genome position (GRCh38, 1-based): chr3:25,618,753, G>A on the plus strand (C>T on the coding strand, the complement: TOP2B is on the minus strand). VCF-style: chr3-25618753-G-A. GRCh37 (hg19) VCF-style: chr3-25660244-G-A.
Other names: c.3145C>T, p.Arg1049Cys (NM_001068.3); short protein forms R1054C, R1049C.
Identifiers: ClinVar variation 2835161 (VCV002835161.3), dbSNP rs2470323393, ClinGen allele CA351897213.
Genomic context (GRCh38, chr3:25,618,753, plus strand): 5'-GGGCTTGATTGTTAAGCTTTGTAGATTCTGCTCCCAACATTCCCACAAGCCACTCCTTAC[G>A]TAAACCGTAATAACTTAATCGTAAATCAAAGAATTCTTTCAGAATGTCTTGCACAGTTTC-3'
Protein context (NP_001317629.1, residues 1044-1064): FDLRLSYYGL[Arg1054Cys]KEWLVGMLGA